The following is an entry in ClinVar:

ClinVar aggregate classification (germline): Uncertain significance (1 of 4 stars; one submission).

Submission:

Labcorp Genetics (formerly Invitae), Labcorp
Classification: Uncertain significance. Last evaluated: 2022-05-14. Review status: criteria provided, single submitter. Criteria: Invitae Variant Classification Sherloc (09022015). Collection method: clinical testing. Allele origin: germline.
Comment: This variant has not been reported in the literature in individuals affected with GMNN-related conditions. This variant is not present in population databases (gnomAD no frequency). This sequence change replaces methionine, which is neutral and non-polar, with isoleucine, which is neutral and non-polar, at codon 89 of the GMNN protein (p.Met89Ile). Algorithms developed to predict the effect of missense changes on protein structure and function (SIFT, PolyPhen-2, Align-GVGD) all suggest that this variant is likely to be tolerated. In summary, the available evidence is currently insufficient to determine the role of this variant in disease. Therefore, it has been classified as a Variant of Uncertain Significance.

NM_015895.5(GMNN):c.267G>T (p.Met89Ile)

Gene: GMNN (geminin DNA replication inhibitor; plus strand). Cytogenetic location: 6p22.3.
Variant type: single nucleotide variant.
Coding change: c.267G>T on transcript NM_015895.5 (MANE Select); coding-DNA position 267, G replaced by T.
Protein change: p.Met89Ile; replaces methionine 89 with isoleucine.
Molecular consequence: missense variant.
Genome position (GRCh38, 1-based): chr6:24,781,614, G>T. VCF-style: chr6-24781614-G-T. GRCh37 (hg19) VCF-style: chr6-24781842-G-T.
Other names: c.267G>T, p.Met89Ile (NM_001251989.2, NM_001251990.2, NM_001251991.1); short protein forms M89I.
Identifiers: ClinVar variation 1994364 (VCV001994364.4), dbSNP rs2532436139, ClinGen allele CA362990448.